The following is an entry in ClinVar:

ClinVar aggregate classification (germline): Conflicting classifications of pathogenicity. Review status: criteria provided, conflicting classifications (1 of 4 stars). 2 submissions from 2 submitters: Uncertain significance (1); Likely benign (1). Last evaluated 2026-07-30.

Conditions:
Hereditary cancer-predisposing syndrome. Also called: Hereditary Cancer Syndrome; Neoplastic Syndromes, Hereditary; Hereditary neoplastic syndrome; Tumor predisposition. Identifiers: Orphanet 140162, MedGen C0027672, MeSH D009386, MONDO:0015356.
Tuberous sclerosis 1 (TSC1). Identifiers: Orphanet 805, MedGen C1854465, MONDO:0008612, OMIM 191100.

Submissions (2):

Ambry Genetics
Classification: Likely benign for Hereditary cancer-predisposing syndrome. Last evaluated: 2026-07-30. Review status: criteria provided, single submitter. Criteria: Ambry Variant Classification Scheme 2023. Collection method: clinical testing. Allele origin: germline.

Labcorp Genetics (formerly Invitae), Labcorp
Classification: Uncertain significance for Tuberous sclerosis 1. Last evaluated: 2025-10-29. Review status: criteria provided, single submitter. Criteria: Invitae Variant Classification Sherloc (09022015). Collection method: clinical testing. Allele origin: germline.
Comment: This sequence change replaces histidine, which is basic and polar, with glutamine, which is neutral and polar, at codon 1014 of the TSC1 protein (p.His1014Gln). This variant is not present in population databases (gnomAD no frequency). This variant has not been reported in the literature in individuals affected with TSC1-related conditions. ClinVar contains an entry for this variant (Variation ID: 1402359). Invitae Evidence Modeling of protein sequence and biophysical properties (such as structural, functional, and spatial information, amino acid conservation, physicochemical variation, residue mobility, and thermodynamic stability) indicates that this missense variant is not expected to disrupt TSC1 protein function with a negative predictive value of 95%. In summary, the available evidence is currently insufficient to determine the role of this variant in disease. Therefore, it has been classified as a Variant of Uncertain Significance.

NM_000368.5(TSC1):c.3042C>A (p.His1014Gln)

Gene: TSC1 (TSC complex subunit 1; minus strand). Cytogenetic location: 9q34.13.
Variant type: single nucleotide variant.
Coding change: c.3042C>A on transcript NM_000368.5 (MANE Select); coding-DNA position 3042, C replaced by A.
Protein change: p.His1014Gln; replaces histidine 1014 with glutamine.
Molecular consequence: missense variant.
Genome position (GRCh38, 1-based): chr9:132,896,688, G>T on the plus strand (C>A on the coding strand, the complement: TSC1 is on the minus strand). VCF-style: chr9-132896688-G-T. GRCh37 (hg19) VCF-style: chr9-135772075-G-T.
Other names: c.3042C>A (NM_000368.4); c.3039C>A, p.His1013Gln (NM_001162426.2); c.2889C>A, p.His963Gln (NM_001162427.2); c.2679C>A, p.His893Gln (NM_001362177.2); short protein forms H893Q, H1014Q, H1013Q, H963Q.
Identifiers: ClinVar variation 1402359 (VCV001402359.8), dbSNP rs1394343524, ClinGen allele CA375367746.